The following is an entry in ClinVar:

ClinVar aggregate classification (germline): Pathogenic (1 of 4 stars; one submission).

Submission:

Labcorp Genetics (formerly Invitae), Labcorp
Classification: Pathogenic. Last evaluated: 2022-10-26. Review status: criteria provided, single submitter. Criteria: Invitae Variant Classification Sherloc (09022015). Collection method: clinical testing. Allele origin: germline.
Comment: This sequence change creates a premature translational stop signal (p.Gln1372*) in the COL27A1 gene. It is expected to result in an absent or disrupted protein product. Loss-of-function variants in COL27A1 are known to be pathogenic (PMID: 24986830, 28276056). This variant is not present in population databases (gnomAD no frequency). This variant has not been reported in the literature in individuals affected with COL27A1-related conditions. For these reasons, this variant has been classified as Pathogenic.

Literature cited by the submitters: PubMed 24986830; PubMed 28276056.

NM_032888.4(COL27A1):c.4114C>T (p.Gln1372Ter)

Genes: COL27A1 (collagen type XXVII alpha 1 chain; plus strand), LOC126860736 (MED14-independent group 3 enhancer GRCh37_chr9:117050487-117051686; plus strand). Cytogenetic location: 9q32.
Variant type: single nucleotide variant.
Coding change: c.4114C>T on transcript NM_032888.4 (MANE Select); coding-DNA position 4114, C replaced by T.
Protein change: p.Gln1372Ter; replaces glutamine 1372 with a stop codon.
Molecular consequence: nonsense.
Genome position (GRCh38, 1-based): chr9:114,288,929, C>T. VCF-style: chr9-114288929-C-T. GRCh37 (hg19) VCF-style: chr9-117051209-C-T.
Other names: short protein forms Q1372*.
Identifiers: ClinVar variation 2036408 (VCV002036408.4), dbSNP rs1827707651, ClinGen allele CA374599821.
Genomic context (GRCh38, chr9:114,288,929, plus strand): 5'-CTCTGCAGGATGGGCCCCCCTCACCTGTCTCTCTTTGGCTTCCAGGGACAGGAGGGTGTG[C>T]AAGGCCTCCGTGGAAAGCCAGGCCAGCAGGGCCAACCCGTGAGTGGTGCTTCGTGTCCCA-3'